The following is an entry in ClinVar:

ClinVar aggregate classification (germline): Benign/Likely benign. Review status: criteria provided, multiple submitters, no conflicts (2 of 4 stars). 5 submissions from 5 submitters: Benign (1); Likely benign (2). 2 of the submissions do not count toward it. Last evaluated 2026-01-24.

Conditions:
Roberts-SC phocomelia syndrome (RBS). Also called: LONG BONE DEFICIENCIES ASSOCIATED WITH CLEFT LIP-PALATE; ESCO2 Spectrum Disorder; Hypomelia hypotrichosis facial hemangioma syndrome; Pseudothalidomide syndrome; Appelt-Gerken-Lenz syndrome. Identifiers: Orphanet 3103, MedGen C0392475, MONDO:0100253, OMIM 268300.
ESCO2-related disorder. Also called: ESCO2-related condition.

Allele frequency attached by ClinVar (database versions not stated): gnomAD 0.00001 and 0.00021; TOPMed 0.00003; 1000 Genomes Project 0.00140; 1000 Genomes Project 30x 0.00172.
gnomAD v4.1: 424 of 1,600,088 alleles (0.026%); highest among the groups gnomAD compares: South Asian, 0.44%; 3 homozygotes.

Submissions (5):

Labcorp Genetics (formerly Invitae), Labcorp
Classification: Benign. Last evaluated: 2026-01-24. Review status: criteria provided, single submitter. Criteria: Invitae Variant Classification Sherloc (09022015). Collection method: clinical testing. Allele origin: germline.

Blueprint Genetics
Classification: Likely benign. Last evaluated: 2024-11-11. Review status: criteria provided, single submitter. Criteria: ACMG Guidelines, 2015. Collection method: clinical testing. Allele origin: germline.

Illumina Laboratory Services, Illumina
Classification: Likely benign for Roberts-SC phocomelia syndrome. Last evaluated: 2018-01-13. Review status: criteria provided, single submitter. Criteria: ICSL Variant Classification Criteria 13 December 2019. Collection method: clinical testing. Allele origin: germline.
Comment: This variant was observed in the ICSL laboratory as part of a predisposition screen in an ostensibly healthy population. It had not been previously curated by ICSL or reported in the Human Gene Mutation Database (HGMD: prior to June 1st, 2018), and was therefore a candidate for classification through an automated scoring system. Utilizing variant allele frequency, disease prevalence and penetrance estimates, and inheritance mode, an automated score was calculated to assess if this variant is too frequent to cause the disease. Based on the score and internal cut-off values, a variant classified as likely benign is not then subjected to further curation. The score for this variant resulted in a classification of likely benign for this disease.

Natera, Inc.
Classification: Uncertain significance for Roberts syndrome. Last evaluated: 2020-01-24. Review status: no assertion criteria provided. Collection method: clinical testing. Allele origin: germline. Not counted in ClinVar's aggregate classification.

PreventionGenetics, part of Exact Sciences
Classification: Likely benign for ESCO2-related condition. Last evaluated: 2019-04-05. Review status: no assertion criteria provided. Collection method: clinical testing. Allele origin: germline. Not counted in ClinVar's aggregate classification.
Comment: This variant is classified as likely benign based on ACMG/AMP sequence variant interpretation guidelines (Richards et al. 2015 PMID: 25741868, with internal and published modifications).

NM_001017420.3(ESCO2):c.867A>G (p.Ser289=)

Gene: ESCO2 (establishment of sister chromatid cohesion N-acetyltransferase 2; plus strand). Cytogenetic location: 8p21.1.
Variant type: single nucleotide variant.
Coding change: c.867A>G on transcript NM_001017420.3 (MANE Select); coding-DNA position 867, A replaced by G.
Protein change: p.Ser289=; no amino-acid change (serine 289 retained).
Molecular consequence: synonymous variant.
Genome position (GRCh38, 1-based): chr8:27,780,179, A>G. VCF-style: chr8-27780179-A-G. GRCh37 (hg19) VCF-style: chr8-27637696-A-G.
Identifiers: ClinVar variation 755659 (VCV000755659.17), dbSNP rs535236969, ClinGen allele CA4692144.
Genomic context (GRCh38, chr8:27,780,179, plus strand): 5'-TAGAAAATAGTTAAAAATTACAGATGTTTGGTTTTTTTTTTAAACCTATTTTCAGGATTC[A>G]TCAGATGACAGAGTTTCTTCAAAGGAACATAAAGTTGATAAAAATGAGGCTTTTTCTTCA-3'
Protein context (NP_001017420.1, residues 279-299): SKNKEKLIKD[Ser289=]SDDRVSSKEH